The following is an entry in ClinVar:

ClinVar aggregate classification (germline): Benign/Likely benign. Review status: criteria provided, multiple submitters, no conflicts (2 of 4 stars). 10 submissions from 10 submitters: Benign (1); Likely benign (7). 2 of the submissions do not count toward it. Last evaluated 2026-01-27.

Conditions:
KCNJ8-related disorder. Also called: KCNJ8-related condition.
Cardiovascular phenotype. Identifiers: MedGen CN230736.
Brugada syndrome. Also called: Sudden unexplained nocturnal death syndrome; Sudden Unexplained Death Syndrome; Sudden Unexplained Nocturnal Death Syndrome (SUNDS); Sudden unexpected nocturnal death syndrome. Identifiers: Orphanet 130, MedGen C1142166, MONDO:0015263.
Hypertrophic cardiomyopathy. Also called: HYPERTROPHIC MYOCARDIOPATHY. Identifiers: Orphanet 217569, MedGen C0007194, MeSH D002312, MONDO:0005045, HP:0001639.

Allele frequency attached by ClinVar (database versions not stated): 1000 Genomes Project 30x 0.00016; 1000 Genomes Project 0.00020; TOPMed 0.00115; gnomAD 0.00118 and 0.00121; ESP Exome Variant Server 0.00154; ExAC 0.00165.
gnomAD v4.1: 1,735 of 1,613,842 alleles (0.11%); highest among the groups gnomAD compares: Middle Eastern, 0.45%; 9 homozygotes.

Submissions (10):

Labcorp Genetics (formerly Invitae), Labcorp
Classification: Likely benign for Brugada syndrome. Last evaluated: 2026-01-27. Review status: criteria provided, single submitter. Criteria: Invitae Variant Classification Sherloc (09022015). Collection method: clinical testing. Allele origin: germline.

CeGaT Center for Human Genetics Tuebingen
Classification: Likely benign. Last evaluated: 2025-10-01. Review status: criteria provided, single submitter. Criteria: CeGaT Center For Human Genetics Tuebingen Variant Classification Criteria Version 2. Collection method: clinical testing. Allele origin: germline. Affected: yes. Observed: 2 variant alleles.
Comment: KCNJ8: PP2, BP4, BS2

Mayo Clinic Laboratories, Mayo Clinic
Classification: Likely benign. Last evaluated: 2025-08-11. Review status: criteria provided, single submitter. Criteria: ACMG Guidelines, 2015. Collection method: clinical testing. Allele origin: germline. Observed: 1 variant allele.
Comment: BS1, BP4

Women's Health and Genetics/Laboratory Corporation of America, LabCorp
Classification: Likely benign. Last evaluated: 2025-06-23. Review status: criteria provided, single submitter. Criteria: LabCorp Variant Classification Summary - May 2015. Collection method: clinical testing. Allele origin: germline.
Comment: Variant summary: KCNJ8 c.1265C>T (p.Ser422Leu) results in a non-conservative amino acid change in the encoded protein sequence. Algorithms developed to predict the effect of missense changes on protein structure and function are either unavailable or do not agree on the potential impact of this missense change. The variant allele was found at a frequency of 0.0018 in 251364 control chromosomes in the gnomAD database, including 4 homozygotes. The observed variant frequency is approximately 293 fold of the estimated maximal expected allele frequency for a pathogenic variant in KCNJ8 causing Arrhythmia phenotype (6.3e-06). c.1265C>T has been observed in individual(s) affected with Arrhythmia, . These report(s) do not provide unequivocal conclusions about association of the variant with Arrhythmia, Ventricular Fibrillation and Brugada syndrome, without strong evidence for causality (Haissaguerre_2009, Barajas-Martinez_2012, vanLint_2019). One publication reports experimental evidence evaluating an impact on protein function, however, does not allow convincing conclusions about the variant effect (Medeiros-Domingo_2010). The following publications have been ascertained in the context of this evaluation (PMID: 22056721, 19120683, 20558321, 30847666). ClinVar contains an entry for this variant (Variation ID: 157543). Based on the evidence outlined above, the variant was classified as likely benign.

GeneDx
Classification: Likely benign. Last evaluated: 2020-08-28. Review status: criteria provided, single submitter. Criteria: GeneDx Variant Classification Process June 2021. Collection method: clinical testing. Allele origin: germline. Affected: yes.
Comment: This variant is associated with the following publications: (PMID: 23414114, 23632791, 22562657, 20558321, 22056721, 22840528, 24068186, 24667784, 19120683, 30847666)

Center for Advanced Laboratory Medicine, UC San Diego Health, University of California San Diego
Classification: Likely benign for Hypertrophic cardiomyopathy. Last evaluated: 2017-06-19. Review status: criteria provided, single submitter. Criteria: ACMG Guidelines, 2015. Collection method: clinical testing. Allele origin: germline. Affected: yes. Observed: 1 variant allele.

Ambry Genetics
Classification: Benign for Cardiovascular phenotype. Last evaluated: 2017-01-05. Review status: criteria provided, single submitter. Criteria: Ambry Variant Classification Scheme 2023. Collection method: clinical testing. Allele origin: germline.

Breakthrough Genomics
Classification: Likely benign. Review status: criteria provided, single submitter. Criteria: ACMG Guidelines, 2015. Collection method: not provided. Allele origin: germline. Inheritance: Unknown mechanism. Affected: yes.

PreventionGenetics, part of Exact Sciences
Classification: Benign for KCNJ8-related condition. Last evaluated: 2019-05-10. Review status: no assertion criteria provided. Collection method: clinical testing. Allele origin: germline. Not counted in ClinVar's aggregate classification.
Comment: This variant is classified as benign based on ACMG/AMP sequence variant interpretation guidelines (Richards et al. 2015 PMID: 25741868, with internal and published modifications).

OMIM
Classification: Uncertain significance for VARIANT OF UNKNOWN SIGNIFICANCE. Last evaluated: 2014-07-01. Review status: no assertion criteria provided. Collection method: literature only. Allele origin: germline. Not counted in ClinVar's aggregate classification.

Literature cited by the submitters: PubMed 19120683 (cited by 4 submitters); PubMed 20558321 (cited by 4 submitters); PubMed 22056721 (cited by 4 submitters); PubMed 22562657 (cited by Mayo Clinic Laboratories, Mayo Clinic and Ambry Genetics); PubMed 22840528 (cited by Mayo Clinic Laboratories, Mayo Clinic and OMIM); PubMed 23632791 (cited by 3 submitters); PubMed 24700710 (cited by Mayo Clinic Laboratories, Mayo Clinic and OMIM); PubMed 30847666 (cited by Mayo Clinic Laboratories, Mayo Clinic and Women's Health and Genetics/Laboratory Corporation of America, LabCorp); PubMed 22365152 (cited by OMIM).

NM_004982.4(KCNJ8):c.1265C>T (p.Ser422Leu)

Genes: KCNJ8 (potassium inwardly rectifying channel subfamily J member 8; minus strand), KCNJ8-AS1 (KCNJ8 antisense RNA 1; plus strand). Cytogenetic location: 12p12.1.
Variant type: single nucleotide variant.
Coding change: c.1265C>T on transcript NM_004982.4 (MANE Select); coding-DNA position 1265, C replaced by T.
Protein change: p.Ser422Leu; replaces serine 422 with leucine.
Molecular consequence: missense variant.
Genome position (GRCh38, 1-based): chr12:21,765,733, G>A on the plus strand (C>T on the coding strand, the complement: KCNJ8 is on the minus strand). VCF-style: chr12-21765733-G-A. GRCh37 (hg19) VCF-style: chr12-21918667-G-A.
Other names: short protein forms S422L.
Identifiers: ClinVar variation 157543 (VCV000157543.46), dbSNP rs72554071, ClinGen allele CA233261.